The following is an entry in ClinVar:

NM_001303256.3(MORC2):c.2379A>C (p.Lys793Asn)

Gene: MORC2 (MORC family CW-type zinc finger 2; minus strand). Cytogenetic location: 22q12.2.
Variant type: single nucleotide variant.
Coding change: c.2379A>C on transcript NM_001303256.3 (MANE Select); coding-DNA position 2379, A replaced by C.
Protein change: p.Lys793Asn; replaces lysine 793 with asparagine.
Molecular consequence: missense variant.
Genome position (GRCh38, 1-based): chr22:30,933,467, T>G on the plus strand (A>C on the coding strand, the complement: MORC2 is on the minus strand). VCF-style: chr22-30933467-T-G. GRCh37 (hg19) VCF-style: chr22-31329454-T-G.
Other names: c.2379A>C, p.Lys793Asn (NM_001303257.2); c.2193A>C, p.Lys731Asn (NM_014941.3); short protein forms K731N, K793N.
Identifiers: ClinVar variation 2834679 (VCV002834679.3), dbSNP rs2040606407, ClinGen allele CA411232635.
Genomic context (GRCh38, chr22:30,933,467, plus strand): 5'-CCACTTCCACTCCCACTCCCACCCCCGCCACAGGCTGCCAAGTCACTCCCCCAGCTCACC[T>G]TTCTGAGCTCTCTTGAGGTCAGCCGAGTCCTCTTCCCCAGCACTGTCTGAGAGCTGCGTG-3'
Protein context (NP_001290185.1, residues 783-803): EDSADLKRAQ[Lys793Asn]DKGLHVEVRV

ClinVar aggregate classification (germline): Uncertain significance (1 of 4 stars; one submission).

Conditions:
Charcot-Marie-Tooth disease axonal type 2Z. Also called: CHARCOT-MARIE-TOOTH DISEASE, AXONAL, AUTOSOMAL DOMINANT, TYPE 2Z; CHARCOT-MARIE-TOOTH NEUROPATHY, TYPE 2Z. Identifiers: Orphanet 466768, MedGen C5569025, MONDO:0014736, OMIM 616688.

Submission:

Labcorp Genetics (formerly Invitae), Labcorp
Classification: Uncertain significance for Charcot-Marie-Tooth disease axonal type 2Z. Last evaluated: 2023-06-25. Review status: criteria provided, single submitter. Criteria: Invitae Variant Classification Sherloc (09022015). Collection method: clinical testing. Allele origin: germline.
Comment: This variant is not present in population databases (gnomAD no frequency). This sequence change replaces lysine, which is basic and polar, with asparagine, which is neutral and polar, at codon 793 of the MORC2 protein (p.Lys793Asn). This variant has not been reported in the literature in individuals affected with MORC2-related conditions. An algorithm developed to predict the effect of missense changes on protein structure and function (PolyPhen-2) suggests that this variant is likely to be disruptive. In summary, the available evidence is currently insufficient to determine the role of this variant in disease. Therefore, it has been classified as a Variant of Uncertain Significance.